The following is an entry in ClinVar:

NM_001197104.2(KMT2A):c.4208T>A (p.Val1403Glu)

Gene: KMT2A (lysine methyltransferase 2A; plus strand). Cytogenetic location: 11q23.3.
Variant type: single nucleotide variant.
Coding change: c.4208T>A on transcript NM_001197104.2 (MANE Select); coding-DNA position 4208, T replaced by A.
Protein change: p.Val1403Glu; replaces valine 1403 with glutamic acid.
Molecular consequence: missense variant.
Genome position (GRCh38, 1-based): chr11:118,484,304, T>A. VCF-style: chr11-118484304-T-A. GRCh37 (hg19) VCF-style: chr11-118355019-T-A.
Other names: c.4307T>A, p.Val1436Glu (NM_001412597.1); c.4208T>A, p.Val1403Glu (NM_005933.4); short protein forms V1403E, V1436E.
Identifiers: ClinVar variation 2133754 (VCV002133754.4), dbSNP rs782705773, ClinGen allele CA6303804.

ClinVar aggregate classification (germline): Uncertain significance (1 of 4 stars; one submission).

Allele frequency attached by ClinVar (database versions not stated): gnomAD exomes below 0.00001; ExAC 0.00001.
gnomAD v4.1: 1 of 1,613,972 alleles (0.000062%); highest among the groups gnomAD compares: Non-Finnish European, 0.000085%; no homozygotes.

Submission:

Labcorp Genetics (formerly Invitae), Labcorp
Classification: Uncertain significance. Last evaluated: 2023-08-24. Review status: criteria provided, single submitter. Criteria: Invitae Variant Classification Sherloc (09022015). Collection method: clinical testing. Allele origin: germline.
Comment: This sequence change replaces valine, which is neutral and non-polar, with glutamic acid, which is acidic and polar, at codon 1403 of the KMT2A protein (p.Val1403Glu). This variant is present in population databases (rs782705773, gnomAD 0.007%). This variant has not been reported in the literature in individuals affected with KMT2A-related conditions. ClinVar contains an entry for this variant (Variation ID: 2133754). Advanced modeling of protein sequence and biophysical properties (such as structural, functional, and spatial information, amino acid conservation, physicochemical variation, residue mobility, and thermodynamic stability) performed at Invitae indicates that this missense variant is expected to disrupt KMT2A protein function. In summary, the available evidence is currently insufficient to determine the role of this variant in disease. Therefore, it has been classified as a Variant of Uncertain Significance.